The following is an entry in ClinVar:

ClinVar aggregate classification (germline): Likely benign (1 of 4 stars; one submission).

gnomAD v4.1: 11 of 1,613,362 alleles (0.00068%); highest among the groups gnomAD compares: East Asian, 0.0067%; no homozygotes.

Submission:

CeGaT Center for Human Genetics Tuebingen
Classification: Likely benign. Last evaluated: 2025-11-01. Review status: criteria provided, single submitter. Criteria: CeGaT Center For Human Genetics Tuebingen Variant Classification Criteria Version 2. Collection method: clinical testing. Allele origin: germline. Affected: yes. Observed: 1 variant allele.
Comment: MAG: BP4, BP7

NM_002361.4(MAG):c.1665C>T (p.Pro555=)

Gene: MAG (myelin associated glycoprotein; plus strand). Cytogenetic location: 19q13.12.
Variant type: single nucleotide variant.
Coding change: c.1665C>T on transcript NM_002361.4 (MANE Select); coding-DNA position 1665, C replaced by T.
Protein change: p.Pro555=; no amino-acid change (proline 555 retained).
Molecular consequence: synonymous variant.
Genome position (GRCh38, 1-based): chr19:35,311,966, C>T. VCF-style: chr19-35311966-C-T. GRCh37 (hg19) VCF-style: chr19-35802869-C-T.
Other names: c.1590C>T, p.Pro530= (NM_001199216.2); c.1665C>T, p.Pro555= (NM_080600.3).
Identifiers: ClinVar variation 4534460 (VCV004534460.6).
Genomic context (GRCh38, chr19:35,311,966, plus strand): 5'-CCTGCCCTGCAGAAAGAACGTGACAGAGAGCCCCAGCTTCTCGGCAGGGGACAACCCTCC[C>T]GTCCTGTTCAGCAGCGACTTCCGCATCTCTGGGGCACCAGAGAAGTACGAGGTAAGGACC-3'
Protein context (NP_002352.1, residues 545-565): SPSFSAGDNP[Pro555=]VLFSSDFRIS